The following is an entry in ClinVar:

ClinVar aggregate classification (germline): Uncertain significance (1 of 4 stars; one submission).

Allele frequency attached by ClinVar (database versions not stated): gnomAD exomes below 0.00001; ExAC 0.00001.
gnomAD v4.1: 1 of 1,604,982 alleles (0.000062%); highest among the groups gnomAD compares: South Asian, 0.0011%; no homozygotes.

Submission:

Labcorp Genetics (formerly Invitae), Labcorp
Classification: Uncertain significance. Last evaluated: 2025-01-06. Review status: criteria provided, single submitter. Criteria: Invitae Variant Classification Sherloc (09022015). Collection method: clinical testing. Allele origin: germline.
Comment: This sequence change replaces alanine, which is neutral and non-polar, with glutamic acid, which is acidic and polar, at codon 2 of the PDZD7 protein (p.Ala2Glu). The frequency data for this variant in the population databases is considered unreliable, as metrics indicate poor data quality at this position in the gnomAD database. This variant has not been reported in the literature in individuals affected with PDZD7-related conditions. ClinVar contains an entry for this variant (Variation ID: 1524160). Experimental studies and prediction algorithms are not available or were not evaluated, and the functional significance of this variant is currently unknown. In summary, the available evidence is currently insufficient to determine the role of this variant in disease. Therefore, it has been classified as a Variant of Uncertain Significance.

NM_001195263.2(PDZD7):c.5C>A (p.Ala2Glu)

Gene: PDZD7 (PDZ domain containing 7; minus strand). Cytogenetic location: 10q24.31.
Variant type: single nucleotide variant.
Coding change: c.5C>A on transcript NM_001195263.2 (MANE Select); coding-DNA position 5, C replaced by A.
Protein change: p.Ala2Glu; replaces alanine 2 with glutamic acid.
Molecular consequence: missense variant.
Genome position (GRCh38, 1-based): chr10:101,030,215, G>T on the plus strand (C>A on the coding strand, the complement: PDZD7 is on the minus strand). VCF-style: chr10-101030215-G-T. GRCh37 (hg19) VCF-style: chr10-102789972-G-T.
Other names: c.5C>A, p.Ala2Glu (NM_001351044.2, NM_024895.5); short protein forms A2E.
Identifiers: ClinVar variation 1524160 (VCV001524160.6), dbSNP rs752103163, ClinGen allele CA5654532.
Genomic context (GRCh38, chr10:101,030,215, plus strand): 5'-AGAGAGCCGGAGCTCAGGTCTCCTAGGCCCAGTGGGTCGAAGCCCACTGCGAAACCCTGC[G>T]CCATGGCGGCTGGGCTAGGGCGGCACCCTACAGGTCCAGAAGGAATCTGCTAGCTCTGGA-3'
Protein context (NP_001182192.1, residues 1-12): M[Ala2Glu]QGFAVGFDPL